The following is an entry in ClinVar:

NM_004287.5(GOSR2):c.179dup (p.Pro60_Asn61insTer)

Genes: GOSR2 (golgi SNAP receptor complex member 2; plus strand), LRRC37A2 (leucine rich repeat containing 37 member A2), LOC126862578 (BRD4-independent group 4 enhancer GRCh37_chr17:45008344-45009543; plus strand). Cytogenetic location: 17q21.32.
Variant type: Duplication.
Coding change: c.179dup on transcript NM_004287.5 (MANE Select); coding-DNA position 179, one base duplicated (C; older notation c.179dupC).
Protein change: p.Pro60_Asn61insTer.
Molecular consequence: frameshift variant. On other transcripts: non-coding transcript variant (3).
Genome position (GRCh38, 1-based): chr17:46,931,183, C duplicated; the last of 5 consecutive C bases (chr17:46,931,179-46,931,183); duplicating any one gives the same sequence. VCF-style (leftmost placement, unchanged base first): chr17-46931178-G-GC. GRCh37 (hg19) VCF-style: chr17-45008544-G-GC.
Other names: c.179dup, p.Pro60_Asn61insTer (NM_001012511.3, NM_001321133.2, NM_001330252.2 and 1 more transcripts); c.125dup, p.Pro42_Asn43insTer (NM_001321134.2, NM_001363851.2); c.176dup, p.Pro59_Asn60insTer (NM_001353114.2, NM_001353115.2, NM_001353116.2).
Identifiers: ClinVar variation 3712404 (VCV003712404.2).

ClinVar aggregate classification (germline): Pathogenic (1 of 4 stars; one submission).

Conditions:
Progressive myoclonic epilepsy. Also called: Familial progressive myoclonic epilepsy; Myoclonus epilepsy; Progressive myoclonus epilepsy; Myoclonic Epilepsies, Progressive. Identifiers: Orphanet 308, Orphanet 98261, MedGen C0751778, MONDO:0020074.

Submission:

Labcorp Genetics (formerly Invitae), Labcorp
Classification: Pathogenic for Progressive myoclonic epilepsy. Last evaluated: 2024-07-24. Review status: criteria provided, single submitter. Criteria: Invitae Variant Classification Sherloc (09022015). Collection method: clinical testing. Allele origin: germline.
Comment: This sequence change creates a premature translational stop signal (p.Asn61*) in the GOSR2 gene. It is expected to result in an absent or disrupted protein product. Loss-of-function variants in GOSR2 are known to be pathogenic (PMID: 21549339). This variant is present in population databases (no rsID available, gnomAD 0.0009%). This variant has not been reported in the literature in individuals affected with GOSR2-related conditions. For these reasons, this variant has been classified as Pathogenic.

Literature cited by the submitters: PubMed 21549339.